The following is an entry in ClinVar:

NC_012920.1(MT-CO2):m.8256T>C

Gene: MT-CO2 (mitochondrially encoded cytochrome c oxidase II; plus strand).
Variant type: single nucleotide variant.
Genome position: chrM-8256-T-C.
Identifiers: ClinVar variation 692830 (VCV000692830.1), dbSNP rs1603221354, ClinGen allele CA414795716.
Genomic context (GRCh38, chrMT:8,256, plus strand): 5'-ACAGTTTCATGCCCATCGTCCTAGAATTAATTCCCCTAAAAATCTTTGAAATAGGGCCCG[T>C]ATTTACCCTATAGCACCCCCTCTACCCCCTCTAGAGCCCACTGTAAAGCTAACTTAGCAT-3'

ClinVar aggregate classification (germline): Likely benign (1 of 4 stars; one submission).

Conditions:
Leigh syndrome (NULS). Also called: Leigh's necrotizing encephalopathy; Leigh's disease; Leigh Syndrome (mtDNA deletion); Leigh Disease; Subacute necrotizing encephalopathy; Necrotizing encephalopathy infantile subacute of Leigh. Identifiers: Orphanet 506, MedGen C2931891, MONDO:0009723, OMIM 256000.

Submission:

Wong Mito Lab, Molecular and Human Genetics, Baylor College of Medicine
Classification: Likely benign for Leigh syndrome. Last evaluated: 2019-10-17. Review status: criteria provided, single submitter. Criteria: Modified ACMG Guidelines (Unpublished). Collection method: clinical testing. Allele origin: germline.
Comment: The NC_012920.1:m.8256T>C (YP_003024029.1:p.Val224Ala) variant in MTCO2 gene is interpretated to be a Likely Benign variant based on the modified ACMG guidelines (unpublished). This variant meets the following evidence codes: BS4, BP6